The following is an entry in ClinVar:

ClinVar aggregate classification (germline): Uncertain significance (1 of 4 stars; one submission).

Submission:

Labcorp Genetics (formerly Invitae), Labcorp
Classification: Uncertain significance. Last evaluated: 2022-08-16. Review status: criteria provided, single submitter. Criteria: Invitae Variant Classification Sherloc (09022015). Collection method: clinical testing. Allele origin: germline.
Comment: This sequence change replaces valine, which is neutral and non-polar, with leucine, which is neutral and non-polar, at codon 593 of the RBP3 protein (p.Val593Leu). This variant is not present in population databases (gnomAD no frequency). This variant has not been reported in the literature in individuals affected with RBP3-related conditions. ClinVar contains an entry for this variant (Variation ID: 1382997). Algorithms developed to predict the effect of missense changes on protein structure and function are either unavailable or do not agree on the potential impact of this missense change (SIFT: "Deleterious"; PolyPhen-2: "Benign"; Align-GVGD: "Class C0"). In summary, the available evidence is currently insufficient to determine the role of this variant in disease. Therefore, it has been classified as a Variant of Uncertain Significance.

NM_002900.3(RBP3):c.1777G>T (p.Val593Leu)

Gene: RBP3 (retinol binding protein 3; plus strand). Cytogenetic location: 10q11.22.
Variant type: single nucleotide variant.
Coding change: c.1777G>T on transcript NM_002900.3 (MANE Select); coding-DNA position 1777, G replaced by T.
Protein change: p.Val593Leu; replaces valine 593 with leucine.
Molecular consequence: missense variant.
Genome position (GRCh38, 1-based): chr10:47,350,261, G>T. VCF-style: chr10-47350261-G-T. GRCh37 (hg19) VCF-style: chr10-48389101-C-A.
Other names: short protein forms V593L.
Identifiers: ClinVar variation 1382997 (VCV001382997.6), dbSNP rs782377821, ClinGen allele CA206463665.
Genomic context (GRCh38, chr10:47,350,261, plus strand): 5'-CTGCTGCACACCCGCACGGTGCCGCTGCTGGACACACCCGAAGGCAGCCTCGCGCTCACC[G>T]TGCCGGTCCTCACCTTCATCGACAATCACGGCGAGGCCTGGCTGGGTGGTGGAGTGGTGC-3'
Protein context (NP_002891.1, residues 583-603): DTPEGSLALT[Val593Leu]PVLTFIDNHG